The following is an entry in ClinVar:

ClinVar aggregate classification (germline): Pathogenic. Review status: criteria provided, multiple submitters, no conflicts (2 of 4 stars). 2 submissions from 2 submitters: Pathogenic (2). Last evaluated 2024-02-20.

Conditions:
Neurofibromatosis, type 1 (NF1). Also called: Peripheral type neurofibromatosis; VON RECKLINGHAUSEN DISEASE; Neurofibromatosis, type I; NEUROFIBROMATOSIS, TYPE I, SOMATIC. Identifiers: Orphanet 636, MedGen C0027831, MONDO:0018975, OMIM 162200. Disease mechanism: loss of function.

Submissions (2):

GeneDx
Classification: Pathogenic. Last evaluated: 2024-02-20. Review status: criteria provided, single submitter. Criteria: GeneDx Variant Classification Process June 2021. Collection method: clinical testing. Allele origin: germline. Affected: yes.
Comment: Frameshift variant predicted to result in protein truncation or nonsense mediated decay in a gene for which loss of function is a known mechanism of disease; Not observed at significant frequency in large population cohorts (gnomAD); This variant is associated with the following publications: (PMID: 23913538, 10712197, 31766501, 28422438)

Labcorp Genetics (formerly Invitae), Labcorp
Classification: Pathogenic for Neurofibromatosis, type 1. Last evaluated: 2021-09-12. Review status: criteria provided, single submitter. Criteria: Invitae Variant Classification Sherloc (09022015). Collection method: clinical testing. Allele origin: germline.
Comment: For these reasons, this variant has been classified as Pathogenic. This premature translational stop signal has been observed in individual(s) with neurofibromatosis type 1 and moyamoya syndrome (PMID: 28422438). This variant is not present in population databases (ExAC no frequency). This sequence change creates a premature translational stop signal (p.Arg711Alafs*37) in the NF1 gene. It is expected to result in an absent or disrupted protein product. Loss-of-function variants in NF1 are known to be pathogenic (PMID: 10712197, 23913538).

Literature cited by the submitters: PubMed 28422438 (cited by Labcorp Genetics (formerly Invitae), Labcorp); PubMed 10712197 (cited by Labcorp Genetics (formerly Invitae), Labcorp); PubMed 23913538 (cited by Labcorp Genetics (formerly Invitae), Labcorp).

NM_001042492.3(NF1):c.2131del (p.Arg711fs)

Gene: NF1 (neurofibromin 1; plus strand). Cytogenetic location: 17q11.2.
Variant type: Deletion.
Coding change: c.2131del on transcript NM_001042492.3 (MANE Select); coding-DNA position 2131, one base deleted (C; older notation c.2131delC).
Protein change: p.Arg711fs; shifts the reading frame from arginine 711.
Molecular consequence: frameshift variant.
Genome position (GRCh38, 1-based): chr17:31,226,564, C deleted; the last of 2 consecutive C bases (chr17:31,226,563-31,226,564); deleting either gives the same sequence. VCF-style (leftmost placement, unchanged base first): chr17-31226562-TC-T. GRCh37 (hg19) VCF-style: chr17-29553580-TC-T.
Other names: c.2131delC, p.Arg711Alafs (NM_000267.4); short protein forms R711fs.
Identifiers: ClinVar variation 936437 (VCV000936437.7), dbSNP rs2067018223, ClinGen allele CA1139665420.